The following is an entry in ClinVar:

ClinVar aggregate classification (germline): Uncertain significance. Review status: criteria provided, multiple submitters, no conflicts (2 of 4 stars). 2 submissions from 2 submitters: Uncertain significance (2). Last evaluated 2025-10-18.

Allele frequency attached by ClinVar (database versions not stated): ExAC 0.00007; gnomAD 0.00007; ESP Exome Variant Server 0.00008; TOPMed 0.00011; gnomAD exomes 0.00016.
gnomAD v4.1: 238 of 1,614,054 alleles (0.015%); highest among the groups gnomAD compares: Admixed American, 0.027%; no homozygotes.

Submissions (2):

Ambry Genetics
Classification: Uncertain significance. Last evaluated: 2025-10-18. Review status: criteria provided, single submitter. Criteria: Ambry Variant Classification Scheme 2023. Collection method: clinical testing. Allele origin: germline.

Labcorp Genetics (formerly Invitae), Labcorp
Classification: Uncertain significance. Last evaluated: 2025-09-09. Review status: criteria provided, single submitter. Criteria: Invitae Variant Classification Sherloc (09022015). Collection method: clinical testing. Allele origin: germline.
Comment: This sequence change replaces glutamic acid, which is acidic and polar, with lysine, which is basic and polar, at codon 462 of the NPAT protein (p.Glu462Lys). This variant is present in population databases (rs371261674, gnomAD 0.04%). This variant has not been reported in the literature in individuals affected with NPAT-related conditions. ClinVar contains an entry for this variant (Variation ID: 1771358). An algorithm developed to predict the effect of missense changes on protein structure and function outputs the following: PolyPhen-2: "Benign". The lysine amino acid residue is found in multiple mammalian species, which suggests that this missense change does not adversely affect protein function. In summary, the available evidence is currently insufficient to determine the role of this variant in disease. Therefore, it has been classified as a Variant of Uncertain Significance.

NM_002519.3(NPAT):c.1384G>A (p.Glu462Lys)

Gene: NPAT (nuclear protein, coactivator of histone transcription; minus strand). Cytogenetic location: 11q22.3.
Variant type: single nucleotide variant.
Coding change: c.1384G>A on transcript NM_002519.3 (MANE Select); coding-DNA position 1384, G replaced by A.
Protein change: p.Glu462Lys; replaces glutamic acid 462 with lysine.
Molecular consequence: missense variant.
Genome position (GRCh38, 1-based): chr11:108,173,600, C>T on the plus strand (G>A on the coding strand, the complement: NPAT is on the minus strand). VCF-style: chr11-108173600-C-T. GRCh37 (hg19) VCF-style: chr11-108044327-C-T.
Other names: c.1384G>A, p.Glu462Lys (NM_001321307.1); short protein forms E462K.
Identifiers: ClinVar variation 1771358 (VCV001771358.8), dbSNP rs371261674, ClinGen allele CA6264007.
Genomic context (GRCh38, chr11:108,173,600, plus strand): 5'-CCATTTCAGTTTCAGTGGACATCTGATTGGTGTATAATTCAGCACAATGTGGATTACATT[C>T]AGCATTAGAATTCCCTCTTTGGTTAAAGTCATTCAAATTAGGCACGGACTCAAAGGTAAT-3'
Protein context (NP_002510.2, residues 452-472): DFNQRGNSNA[Glu462Lys]CNPHCAELYT